The following is an entry in ClinVar:

ClinVar aggregate classification (germline): Likely pathogenic (1 of 4 stars; one submission).

Submission:

GeneDx
Classification: Likely pathogenic. Last evaluated: 2017-07-06. Review status: criteria provided, single submitter. Criteria: GeneDx Variant Classification (06012015). Collection method: clinical testing. Allele origin: germline. Affected: yes.
Comment: The c.51+5 G>T variant has not been published as a pathogenic variant, nor has it been reported as a benign variant to our knowledge. The variant is not observed in large population cohorts (Lek et al., 2016; 1000 Genomes Consortium et al., 2015; Exome Variant Server). Several in-silico splice prediction models predict that c.51+5 G>T destroys the natural donor site for intron 2 and leads to abnormal gene splicing. However, the adjacent exon is predicted to remain in-frame. In the absence of RNA/functional studies, the actual effect of this sequence change is unknown. In summary, this variant is likely pathogenic; however, the possibility that it is benign cannot be excluded.

NM_000062.3(SERPING1):c.51+5G>T

Gene: SERPING1 (serpin family G member 1; plus strand). Cytogenetic location: 11q12.1.
Variant type: single nucleotide variant.
Coding change: c.51+5G>T on transcript NM_000062.3 (MANE Select); 5 bases into the intron after coding-DNA position 51, G replaced by T.
Molecular consequence: intron variant.
Genome position (GRCh38, 1-based): chr11:57,598,326, G>T. VCF-style: chr11-57598326-G-T. GRCh37 (hg19) VCF-style: chr11-57365799-G-T.
Other names: c.51+5G>T (NM_001032295.2).
Identifiers: ClinVar variation 450500 (VCV000450500.2), dbSNP rs1554994665, ClinGen allele CA658658056.